The following is an entry in ClinVar:

NM_000273.3(GPR143):c.1067T>C (p.Val356Ala)

Gene: GPR143 (G protein-coupled receptor 143; minus strand). Cytogenetic location: Xp22.2.
Variant type: single nucleotide variant.
Coding change: c.1067T>C on transcript NM_000273.3 (MANE Select); coding-DNA position 1067, T replaced by C.
Protein change: p.Val356Ala; replaces valine 356 with alanine.
Molecular consequence: missense variant.
Genome position (GRCh38, 1-based): chrX:9,739,538, A>G on the plus strand (T>C on the coding strand, the complement: GPR143 is on the minus strand). VCF-style: chrX-9739538-A-G. GRCh37 (hg19) VCF-style: chrX-9707578-A-G.
Other names: c.1067T>C (NM_000273.2); short protein forms V356A.
Identifiers: ClinVar variation 1903149 (VCV001903149.6), dbSNP rs2083393150, ClinGen allele CA411994858.

ClinVar aggregate classification (germline): Uncertain significance. Review status: criteria provided, multiple submitters, no conflicts (2 of 4 stars). 2 submissions from 2 submitters: Uncertain significance (2). Last evaluated 2025-10-29.

Conditions:
Inborn genetic diseases. Identifiers: MedGen C0950123, MeSH D030342.

Allele frequency attached by ClinVar (database versions not stated): gnomAD exomes below 0.00001.
gnomAD v4.1: 3 of 1,210,925 alleles (0.00025%); highest among the groups gnomAD compares: Non-Finnish European, 0.00034%; no homozygotes.

Submissions (2):

Ambry Genetics
Classification: Uncertain significance for Inborn genetic diseases. Last evaluated: 2025-10-29. Review status: criteria provided, single submitter. Criteria: Ambry Variant Classification Scheme 2023. Collection method: clinical testing. Allele origin: germline.

Labcorp Genetics (formerly Invitae), Labcorp
Classification: Uncertain significance. Last evaluated: 2023-05-15. Review status: criteria provided, single submitter. Criteria: Invitae Variant Classification Sherloc (09022015). Collection method: clinical testing. Allele origin: germline.
Comment: ClinVar contains an entry for this variant (Variation ID: 1903149). In summary, the available evidence is currently insufficient to determine the role of this variant in disease. Therefore, it has been classified as a Variant of Uncertain Significance. Advanced modeling of protein sequence and biophysical properties (such as structural, functional, and spatial information, amino acid conservation, physicochemical variation, residue mobility, and thermodynamic stability) performed at Invitae indicates that this missense variant is not expected to disrupt GPR143 protein function. This variant has not been reported in the literature in individuals affected with GPR143-related conditions. This variant is not present in population databases (gnomAD no frequency). This sequence change replaces valine, which is neutral and non-polar, with alanine, which is neutral and non-polar, at codon 356 of the GPR143 protein (p.Val356Ala).